The following is an entry in ClinVar:

NM_002691.4(POLD1):c.1250C>T (p.Thr417Ile)

Gene: POLD1 (DNA polymerase delta 1, catalytic subunit; plus strand). Cytogenetic location: 19q13.33.
Variant type: single nucleotide variant.
Coding change: c.1250C>T on transcript NM_002691.4 (MANE Select); coding-DNA position 1250, C replaced by T.
Protein change: p.Thr417Ile; replaces threonine 417 with isoleucine.
Molecular consequence: missense variant. On other transcripts: non-coding transcript variant (1).
Genome position (GRCh38, 1-based): chr19:50,406,189, C>T. VCF-style: chr19-50406189-C-T. GRCh37 (hg19) VCF-style: chr19-50909446-C-T.
Other names: c.1250C>T, p.Thr417Ile (NM_001256849.1, NM_001308632.1); short protein forms T417I.
Identifiers: ClinVar variation 948241 (VCV000948241.9), dbSNP rs1555791079, ClinGen allele CA406979704.

ClinVar aggregate classification (germline): Uncertain significance (1 of 4 stars; one submission).

Conditions:
POLD1-related polyposis and colorectal cancer syndrome (CRCS10). Also called: Colorectal cancer 10; COLORECTAL CANCER, SUSCEPTIBILITY TO, ON CHROMOSOME 19q; Colorectal cancer, susceptibility to, 10. Identifiers: Orphanet 220460, MedGen C2675481, MONDO:0012953, OMIM 612591.

Allele frequency attached by ClinVar (database versions not stated): gnomAD exomes below 0.00001.
gnomAD v4.1: 1 of 1,613,458 alleles (0.000062%); highest among the groups gnomAD compares: Non-Finnish European, 0.000085%; no homozygotes.

Submission:

Labcorp Genetics (formerly Invitae), Labcorp
Classification: Uncertain significance for POLD1-related polyposis and colorectal cancer syndrome. Last evaluated: 2024-04-30. Review status: criteria provided, single submitter. Criteria: Invitae Variant Classification Sherloc (09022015). Collection method: clinical testing. Allele origin: germline.
Comment: This sequence change replaces threonine, which is neutral and polar, with isoleucine, which is neutral and non-polar, at codon 417 of the POLD1 protein (p.Thr417Ile). This variant is not present in population databases (gnomAD no frequency). This variant has not been reported in the literature in individuals affected with POLD1-related conditions. ClinVar contains an entry for this variant (Variation ID: 948241). Advanced modeling of protein sequence and biophysical properties (such as structural, functional, and spatial information, amino acid conservation, physicochemical variation, residue mobility, and thermodynamic stability) performed at Invitae indicates that this missense variant is not expected to disrupt POLD1 protein function with a negative predictive value of 80%. In summary, the available evidence is currently insufficient to determine the role of this variant in disease. Therefore, it has been classified as a Variant of Uncertain Significance.